The following is an entry in ClinVar:

ClinVar aggregate classification (germline): Uncertain significance (1 of 4 stars; one submission).

Conditions:
Hereditary cancer-predisposing syndrome. Also called: Hereditary Cancer Syndrome; Neoplastic Syndromes, Hereditary; Tumor predisposition; Hereditary neoplastic syndrome. Identifiers: Orphanet 140162, MedGen C0027672, MeSH D009386, MONDO:0015356.

Submission:

Ambry Genetics
Classification: Uncertain significance for Hereditary cancer-predisposing syndrome. Last evaluated: 2022-02-17. Review status: criteria provided, single submitter. Criteria: Ambry Variant Classification Scheme 2023. Collection method: clinical testing. Allele origin: germline.
Comment: The p.Q168E variant (also known as c.502C>G), located in coding exon 3 of the CDK4 gene, results from a C to G substitution at nucleotide position 502. The glutamine at codon 168 is replaced by glutamic acid, an amino acid with highly similar properties. This amino acid position is not well conserved in available vertebrate species. In addition, this alteration is predicted to be tolerated by in silico analysis. Since supporting evidence is limited at this time, the clinical significance of this alteration remains unclear.

NM_000075.4(CDK4):c.502C>G (p.Gln168Glu)

Gene: CDK4 (cyclin dependent kinase 4; minus strand). Cytogenetic location: 12q14.1.
Variant type: single nucleotide variant.
Coding change: c.502C>G on transcript NM_000075.4 (MANE Select); coding-DNA position 502, C replaced by G.
Protein change: p.Gln168Glu; replaces glutamine 168 with glutamic acid.
Molecular consequence: missense variant.
Genome position (GRCh38, 1-based): chr12:57,750,943, G>C on the plus strand (C>G on the coding strand, the complement: CDK4 is on the minus strand). VCF-style: chr12-57750943-G-C. GRCh37 (hg19) VCF-style: chr12-58144726-G-C.
Other names: short protein forms Q168E.
Identifiers: ClinVar variation 1744887 (VCV001744887.2), dbSNP rs1555201299, ClinGen allele CA385546164.
Genomic context (GRCh38, chr12:57,750,943, plus strand): 5'-TCCCAACCAGAACCCATTTTGGTACCATCTTTCTACTGACCACGGGTGTAAGTGCCATCT[G>C]GTAGCTGTAGATTCTGGCCAGGCCAAAGTCAGCCAGCTTGACTGTTCCACCACTTGTCAC-3'
Protein context (NP_000066.1, residues 158-178): DFGLARIYSY[Gln168Glu]MALTPVVVTL